The following is an entry in ClinVar:

ClinVar aggregate classification (germline): Pathogenic. Review status: criteria provided, multiple submitters, no conflicts (2 of 4 stars). 3 submissions from 3 submitters: Pathogenic (2). 1 of the submissions does not count toward it. Last evaluated 2017-01-19.

Conditions:
Charcot-Marie-Tooth disease. Also called: Charcot-Marie-Tooth Neuropathy; Charcot-Marie-Tooth Hereditary Neuropathy. Identifiers: Orphanet 166, MedGen C0007959, MONDO:0015626.
Charcot-Marie-Tooth Neuropathy X. Identifiers: MedGen CN118851.

Submissions (3):

Labcorp Genetics (formerly Invitae), Labcorp
Classification: Pathogenic for Charcot-Marie-Tooth Neuropathy X. Last evaluated: 2017-01-19. Review status: criteria provided, single submitter. Criteria: Invitae Variant Classification Sherloc (09022015). Collection method: clinical testing. Allele origin: germline.
Comment: This sequence change replaces leucine with proline at codon 89 of the GJB1 protein (p.Leu89Pro). The leucine residue is highly conserved and there is a moderate physicochemical difference between leucine and proline. This variant is not present in population databases (ExAC no frequency). This variant has been reported in multiple individuals affected with CMTX1 (PMID: 26274329, 12457340, 9099841) and it has been reported to segregate with disease in a family affected with X-linked dominant Charcot-Marie-Tooth disease (CMTX1) (PMID: 17714866). This variant is also known as leu238pro in the literature. Experimental studies have found that this missense change impacts the cellular localization of the GJB1-encoded CX32 protein, preventing the formation of functional CX32 gap junctions (PMID: 27367520). For these reasons, this variant has been classified as Pathogenic.

Athena Diagnostics
Classification: Pathogenic. Last evaluated: 2016-12-13. Review status: criteria provided, single submitter. Criteria: Athena Diagnostics Criteria. Collection method: clinical testing. Allele origin: germline.

Inherited Neuropathy Consortium
Classification: Uncertain significance for Charcot-Marie-Tooth disease. Review status: no assertion criteria provided. Collection method: literature only. Allele origin: germline. Affected: yes. Not counted in ClinVar's aggregate classification.

Literature cited by the submitters: PubMed 26274329 (cited by Labcorp Genetics (formerly Invitae), Labcorp); PubMed 12457340 (cited by Labcorp Genetics (formerly Invitae), Labcorp); PubMed 9099841 (cited by 3 submitters); PubMed 17714866 (cited by Labcorp Genetics (formerly Invitae), Labcorp and Athena Diagnostics); PubMed 27367520 (cited by Labcorp Genetics (formerly Invitae), Labcorp and Athena Diagnostics).

NM_000166.6(GJB1):c.266T>C (p.Leu89Pro)

Gene: GJB1 (gap junction protein beta 1; plus strand). Cytogenetic location: Xq13.1.
Variant type: single nucleotide variant.
Coding change: c.266T>C on transcript NM_000166.6 (MANE Select); coding-DNA position 266, T replaced by C.
Protein change: p.Leu89Pro; replaces leucine 89 with proline.
Molecular consequence: missense variant.
Genome position (GRCh38, 1-based): chrX:71,223,973, T>C. VCF-style: chrX-71223973-T-C. GRCh37 (hg19) VCF-style: chrX-70443823-T-C.
Other names: c.266T>C, p.Leu89Pro (NM_001097642.3); short protein forms L89P.
Identifiers: ClinVar variation 447428 (VCV000447428.9), dbSNP rs1555937122, ClinGen allele CA413501709.